The following is an entry in ClinVar:

NM_000016.6(ACADM):c.728G>A (p.Arg243Gln)

Gene: ACADM (acyl-CoA dehydrogenase medium chain; plus strand). Cytogenetic location: 1p31.1.
Variant type: single nucleotide variant.
Coding change: c.728G>A on transcript NM_000016.6 (MANE Select); coding-DNA position 728, G replaced by A.
Protein change: p.Arg243Gln; replaces arginine 243 with glutamine.
Molecular consequence: missense variant.
Genome position (GRCh38, 1-based): chr1:75,749,438, G>A. VCF-style: chr1-75749438-G-A. GRCh37 (hg19) VCF-style: chr1-76215123-G-A.
Other names: c.728G>A (NM_000016.5); c.740G>A, p.Arg247Gln (NM_001127328.3); c.620G>A, p.Arg207Gln (NM_001286042.2); c.827G>A, p.Arg276Gln (NM_001286043.2); c.161G>A, p.Arg54Gln (NM_001286044.2); short protein forms R243Q, R247Q, R54Q, R207Q, R276Q.
Identifiers: ClinVar variation 226088 (VCV000226088.22), dbSNP rs373852490, ClinGen allele CA913197.

ClinVar aggregate classification (germline): Conflicting classifications of pathogenicity. Review status: criteria provided, conflicting classifications (1 of 4 stars). 6 submissions from 6 submitters: Pathogenic (1); Likely pathogenic (3); Uncertain significance (2). Last evaluated 2026-07-31.

Conditions:
Medium-chain acyl-coenzyme A dehydrogenase deficiency (ACADMD). Also called: MCADD; Medium chain acyl-CoA dehydrogenase deficiency; ACADM DEFICIENCY; CARNITINE DEFICIENCY SECONDARY TO MEDIUM-CHAIN ACYL-CoA DEHYDROGENASE DEFICIENCY; MCADH DEFICIENCY; MCAD Deficiency. Identifiers: Orphanet 42, MedGen C0220710, MONDO:0008721, OMIM 201450.

Allele frequency attached by ClinVar (database versions not stated): gnomAD 0.00001; TOPMed 0.00001; ExAC 0.00002; gnomAD exomes 0.00002.
gnomAD v4.1: 15 of 1,613,828 alleles (0.00093%); highest among the groups gnomAD compares: East Asian, 0.0045%; no homozygotes.

Submissions (6):

Myriad Genetics, Inc.
Classification: Uncertain significance for Medium-chain acyl-coenzyme A dehydrogenase deficiency. Last evaluated: 2026-07-31. Review status: criteria provided, single submitter. Criteria: Myriad Autosomal Dominant, Autosomal Recessive and X-Linked Classification Criteria (2023). Collection method: clinical testing. Allele origin: unknown.
Comment: NM_000016.4(ACADM):c.728G>A(R243Q) is a missense variant classified as a variant of uncertain significance in the context of medium-chain acyl-CoA dehydrogenase deficiency. R243Q has been observed in cases with relevant disease (PMID: 22542437, 24294134, 27477829). Relevant functional assessments of this variant are not available in the literature. R243Q has been observed in referenced population frequency databases. In summary, there is insufficient evidence to classify NM_000016.4(ACADM):c.728G>A(R243Q) as pathogenic or benign. Please note: this variant was assessed in the context of healthy population screening.

Women's Health and Genetics/Laboratory Corporation of America, LabCorp
Classification: Likely pathogenic for Medium-chain acyl-coenzyme A dehydrogenase deficiency. Last evaluated: 2025-08-15. Review status: criteria provided, single submitter. Criteria: LabCorp Variant Classification Summary - May 2015. Collection method: clinical testing. Allele origin: germline.
Comment: Variant summary: ACADM c.728G>A (p.Arg243Gln) results in a conservative amino acid change located in the Acyl-CoA oxidase/dehydrogenase, middle domain of the encoded protein sequence. Algorithms developed to predict the effect of missense changes on protein structure and function are either unavailable or do not agree on the potential impact of this missense change. The variant allele was found at a frequency of 2.4e-05 in 251290 control chromosomes. c.728G>A has been reported in the literature in individuals affected with Medium Chain Acyl-CoA Dehydrogenase Deficiency (examples: Andresen_2012, and Catarzi_2013). These data indicate that the variant may be associated with disease. The following publications have been ascertained in the context of this evaluation (PMID: 22542437, 24294134, 27477829). ClinVar contains an entry for this variant (Variation ID: 226088).Based on the evidence outlined above, the variant was classified as likely pathogenic.

Natera, Inc.
Classification: Likely pathogenic for Medium Chain Acyl-CoA Dehydrogenase Deficiency. Last evaluated: 2025-05-08. Review status: criteria provided, single submitter. Criteria: Natera Variant Classification Schema (03/2026). Collection method: clinical testing. Allele origin: germline.
Comment: The c.728G>A variant in ACADM is a missense variant predicted to cause substitution of arginine to glutamine at amino acid 243. This variant is rare in the general population with a frequency below the threshold expected for the associated phenotype(s). This variant has been observed in one or more individuals affected with the associated recessive disease, as either homozygous or compound heterozygous with a second variant (PMID: 22542437, 24294134). This variant has been identified in one or more affected individual with a phenotype highly consistent with the associated gene (PMID: 22542437, 24294134). Computational prediction algorithms indicate this variant is likely to affect gene or protein function. Given the available evidence, this variant is classified as Likely Pathogenic.

Baylor Genetics
Classification: Likely pathogenic for Medium-chain acyl-coenzyme A dehydrogenase deficiency. Last evaluated: 2024-02-12. Review status: criteria provided, single submitter. Criteria: ACMG Guidelines, 2015. Collection method: clinical testing. Allele origin: unknown.

Labcorp Genetics (formerly Invitae), Labcorp
Classification: Pathogenic for Medium-chain acyl-coenzyme A dehydrogenase deficiency. Last evaluated: 2023-11-24. Review status: criteria provided, single submitter. Criteria: Invitae Variant Classification Sherloc (09022015). Collection method: clinical testing. Allele origin: germline.
Comment: This sequence change replaces arginine, which is basic and polar, with glutamine, which is neutral and polar, at codon 243 of the ACADM protein (p.Arg243Gln). This variant is present in population databases (rs373852490, gnomAD 0.008%). This missense change has been observed in individual(s) with medium-chain acyl-coenzyme A dehydrogenase deficiency (PMID: 22542437, 24294134). ClinVar contains an entry for this variant (Variation ID: 226088). Advanced modeling of protein sequence and biophysical properties (such as structural, functional, and spatial information, amino acid conservation, physicochemical variation, residue mobility, and thermodynamic stability) performed at Invitae indicates that this missense variant is expected to disrupt ACADM protein function with a positive predictive value of 80%. For these reasons, this variant has been classified as Pathogenic.

ARUP Laboratories, Molecular Genetics and Genomics, ARUP Laboratories
Classification: Uncertain significance for Medium-chain acyl-coenzyme A dehydrogenase deficiency. Last evaluated: 2015-02-20. Review status: criteria provided, single submitter. Criteria: ACMG Guidelines, 2015. Collection method: clinical testing. Allele origin: germline. Inheritance: Autosomal recessive inheritance. Observed: 1 heterozygote.

Literature cited by the submitters: PubMed 22542437 (cited by 4 submitters); PubMed 24294134 (cited by 4 submitters); PubMed 27477829 (cited by Myriad Genetics, Inc. and Women's Health and Genetics/Laboratory Corporation of America, LabCorp).